The following is an entry in ClinVar:

NM_001572.5(IRF7):c.808T>C (p.Tyr270His)

Gene: IRF7 (interferon regulatory factor 7; minus strand). Cytogenetic location: 11p15.5.
Variant type: single nucleotide variant.
Coding change: c.808T>C on transcript NM_001572.5 (MANE Select); coding-DNA position 808, T replaced by C.
Protein change: p.Tyr270His; replaces tyrosine 270 with histidine.
Molecular consequence: missense variant.
Genome position (GRCh38, 1-based): chr11:613,824, A>G on the plus strand (T>C on the coding strand, the complement: IRF7 is on the minus strand). VCF-style: chr11-613824-A-G. GRCh37 (hg19) VCF-style: chr11-613824-A-G.
Other names: c.721T>C, p.Tyr241His (NM_004029.4); c.847T>C, p.Tyr283His (NM_004031.4); short protein forms Y283H, Y270H, Y241H.
Identifiers: ClinVar variation 1348982 (VCV001348982.8), dbSNP rs990618165, ClinGen allele CA378979874.

ClinVar aggregate classification (germline): Uncertain significance (1 of 4 stars; one submission).

Conditions:
Immunodeficiency 39 (IMD39). Identifiers: Orphanet 574918, MedGen C4225358, MONDO:0014597, OMIM 616345.

Allele frequency attached by ClinVar (database versions not stated): gnomAD exomes below 0.00001; gnomAD 0.00001.
gnomAD v4.1: 2 of 1,586,664 alleles (0.00013%); highest among the groups gnomAD compares: East Asian, 0.0045%; no homozygotes.

Submission:

Labcorp Genetics (formerly Invitae), Labcorp
Classification: Uncertain significance for Immunodeficiency 39. Last evaluated: 2020-12-01. Review status: criteria provided, single submitter. Criteria: Invitae Variant Classification Sherloc (09022015). Collection method: clinical testing. Allele origin: germline.
Comment: In summary, the available evidence is currently insufficient to determine the role of this variant in disease. Therefore, it has been classified as a Variant of Uncertain Significance. Algorithms developed to predict the effect of missense changes on protein structure and function output the following: SIFT: "Deleterious"; PolyPhen-2: "Benign"; Align-GVGD: "Class C0". The histidine amino acid residue is found in multiple mammalian species, suggesting that this missense change does not adversely affect protein function. These predictions have not been confirmed by published functional studies and their clinical significance is uncertain. This variant has not been reported in the literature in individuals with IRF7-related conditions. This variant is not present in population databases (ExAC no frequency). This sequence change replaces tyrosine with histidine at codon 283 of the IRF7 protein (p.Tyr283His). The tyrosine residue is weakly conserved and there is a moderate physicochemical difference between tyrosine and histidine.